The following is an entry in ClinVar:

NC_000019.9:g.(?_11277234)_(11344062_?)dup

Genes: DOCK6 (dedicator of cytokinesis 6; minus strand), KANK2 (KN motif and ankyrin repeat domains 2; minus strand). Cytogenetic location: 19p13.2.
Variant type: Duplication.
Identifiers: ClinVar variation 2426620 (VCV002426620.4).

ClinVar aggregate classification (germline): Uncertain significance (1 of 4 stars; one submission).

Submission:

Labcorp Genetics (formerly Invitae), Labcorp
Classification: Uncertain significance. Last evaluated: 2022-04-07. Review status: criteria provided, single submitter. Criteria: Invitae Variant Classification Sherloc (09022015). Collection method: clinical testing. Allele origin: germline.
Comment: In summary, the available evidence is currently insufficient to determine the role of this variant in disease. Therefore, it has been classified as a Variant of Uncertain Significance. Experimental studies and prediction algorithms are not available or were not evaluated, and the functional significance of this variant is currently unknown. This variant has not been reported in the literature in individuals affected with DOCK6-related conditions. This variant results in a copy number gain of the genomic region encompassing exon(s) 22-48 of the DOCK6 gene. This region includes the termination codon of the gene. This copy number gain extends beyond the assayed region for this gene and therefore may encompass additional genes. As the precise location of this event is unknown, it may be in tandem or it may be located elsewhere in the genome.